The following is an entry in ClinVar:

ClinVar aggregate classification (germline): Uncertain significance. Review status: criteria provided, multiple submitters, no conflicts (2 of 4 stars). 4 submissions from 4 submitters: Uncertain significance (4). Last evaluated 2025-07-07.

Conditions:
Tumor predisposition syndrome 3 (TPDS3). Also called: Glioma susceptibility 9; LONG TELOMERE SYNDROME, POT1-RELATED; POT1 Tumor Predisposition; Melanoma, cutaneous malignant, susceptibility to, 10. Identifiers: Orphanet 618, MedGen C4014476, MONDO:0014368, OMIM 615848.
Hereditary cancer-predisposing syndrome. Also called: Hereditary neoplastic syndrome; Hereditary Cancer Syndrome; Neoplastic Syndromes, Hereditary; Tumor predisposition. Identifiers: Orphanet 140162, MedGen C0027672, MeSH D009386, MONDO:0015356.

Allele frequency attached by ClinVar (database versions not stated): gnomAD exomes below 0.00001; TOPMed below 0.00001; gnomAD 0.00001.
gnomAD v4.1: 2 of 1,599,342 alleles (0.00013%); highest among the groups gnomAD compares: South Asian, 0.0011%; no homozygotes.

Submissions (4):

Labcorp Genetics (formerly Invitae), Labcorp
Classification: Uncertain significance for Tumor predisposition syndrome 3. Last evaluated: 2025-07-07. Review status: criteria provided, single submitter. Criteria: Invitae Variant Classification Sherloc (09022015). Collection method: clinical testing. Allele origin: germline.
Comment: This sequence change replaces isoleucine, which is neutral and non-polar, with valine, which is neutral and non-polar, at codon 512 of the POT1 protein (p.Ile512Val). This variant is present in population databases (no rsID available, gnomAD 0.007%). This variant has not been reported in the literature in individuals affected with POT1-related conditions. ClinVar contains an entry for this variant (Variation ID: 475047). Invitae Evidence Modeling of protein sequence and biophysical properties (such as structural, functional, and spatial information, amino acid conservation, physicochemical variation, residue mobility, and thermodynamic stability) indicates that this missense variant is not expected to disrupt POT1 protein function with a negative predictive value of 80%. In summary, the available evidence is currently insufficient to determine the role of this variant in disease. Therefore, it has been classified as a Variant of Uncertain Significance.

Center for Genomic Medicine, Rigshospitalet, Copenhagen University Hospital
Classification: Uncertain significance. Last evaluated: 2025-03-04. Review status: criteria provided, single submitter. Criteria: ACMG Guidelines, 2015. Collection method: clinical testing. Allele origin: germline.

GeneDx
Classification: Uncertain significance. Last evaluated: 2024-01-28. Review status: criteria provided, single submitter. Criteria: GeneDx Variant Classification Process June 2021. Collection method: clinical testing. Allele origin: germline. Affected: yes.
Comment: Not observed at significant frequency in large population cohorts (gnomAD); In silico analysis supports that this missense variant does not alter protein structure/function; Has not been previously published as pathogenic or benign to our knowledge; This variant is associated with the following publications: (PMID: 28393830)

Ambry Genetics
Classification: Uncertain significance for Hereditary cancer-predisposing syndrome. Last evaluated: 2022-07-02. Review status: criteria provided, single submitter. Criteria: Ambry Variant Classification Scheme 2023. Collection method: clinical testing. Allele origin: germline.
Comment: The p.I512V variant (also known as c.1534A>G), located in coding exon 12 of the POT1 gene, results from an A to G substitution at nucleotide position 1534. The isoleucine at codon 512 is replaced by valine, an amino acid with highly similar properties. This amino acid position is conserved. In addition, this alteration is predicted to be tolerated by in silico analysis. Since supporting evidence is limited at this time, the clinical significance of this alteration remains unclear.

NM_015450.3(POT1):c.1534A>G (p.Ile512Val)

Gene: POT1 (protection of telomeres 1; minus strand). Cytogenetic location: 7q31.33.
Variant type: single nucleotide variant.
Coding change: c.1534A>G on transcript NM_015450.3 (MANE Select); coding-DNA position 1534, A replaced by G.
Protein change: p.Ile512Val; replaces isoleucine 512 with valine.
Molecular consequence: missense variant. On other transcripts: non-coding transcript variant (2).
Genome position (GRCh38, 1-based): chr7:124,829,314, T>C on the plus strand (A>G on the coding strand, the complement: POT1 is on the minus strand). VCF-style: chr7-124829314-T-C. GRCh37 (hg19) VCF-style: chr7-124469368-T-C.
Other names: c.1141A>G, p.Ile381Val (NM_001042594.2); short protein forms I512V, I381V.
Identifiers: ClinVar variation 475047 (VCV000475047.13), dbSNP rs1179111946, ClinGen allele CA369064572.